The following is an entry in ClinVar:

ClinVar aggregate classification (germline): Uncertain significance (1 of 4 stars; one submission).

Submission:

GeneDx
Classification: Uncertain significance. Last evaluated: 2019-09-10. Review status: criteria provided, single submitter. Criteria: GeneDx Variant Classification Process June 2021. Collection method: clinical testing. Allele origin: germline. Affected: yes.
Comment: Not observed in large population cohorts (Lek et al., 2016); Canonical splice site variant in a gene for which loss-of-function is not a known mechanism of disease; Has not been previously published as pathogenic or benign to our knowledge

NM_003590.5(CUL3):c.655-2A>G

Gene: CUL3 (cullin 3; minus strand). Cytogenetic location: 2q36.2.
Variant type: single nucleotide variant.
Coding change: c.655-2A>G on transcript NM_003590.5 (MANE Select); the canonical splice acceptor site of the intron before coding-DNA position 655, A replaced by G.
Molecular consequence: splice acceptor variant.
Genome position (GRCh38, 1-based): chr2:224,511,584, T>C on the plus strand (A>G on the coding strand, the complement: CUL3 is on the minus strand). VCF-style: chr2-224511584-T-C. GRCh37 (hg19) VCF-style: chr2-225376301-T-C.
Other names: c.457-2A>G (NM_001257197.2); c.673-2A>G (NM_001257198.2).
Identifiers: ClinVar variation 1312211 (VCV001312211.2), dbSNP rs2106216391, ClinGen allele CA350830874.